The following is an entry in ClinVar:

ClinVar aggregate classification (germline): Uncertain significance. Review status: criteria provided, multiple submitters, no conflicts (2 of 4 stars). 3 submissions from 3 submitters: Uncertain significance (3). Last evaluated 2025-11-23.

Conditions:
Hypertrophic cardiomyopathy 14. Identifiers: MedGen C2750467, MONDO:0013197, OMIM 613251.
Cardiovascular phenotype. Identifiers: MedGen CN230736.

Allele frequency attached by ClinVar (database versions not stated): gnomAD 0.00001; gnomAD exomes 0.00001 and 0.00002; TOPMed 0.00001; ExAC 0.00002; 1000 Genomes Project 30x 0.00016; 1000 Genomes Project 0.00020.
gnomAD v4.1: 22 of 1,614,074 alleles (0.0014%); highest among the groups gnomAD compares: Middle Eastern, 0.016%; 1 homozygote.

Submissions (3):

Labcorp Genetics (formerly Invitae), Labcorp
Classification: Uncertain significance for Hypertrophic cardiomyopathy 14. Last evaluated: 2025-11-23. Review status: criteria provided, single submitter. Criteria: Invitae Variant Classification Sherloc (09022015). Collection method: clinical testing. Allele origin: germline.
Comment: This sequence change replaces arginine, which is basic and polar, with cysteine, which is neutral and slightly polar, at codon 789 of the MYH6 protein (p.Arg789Cys). This variant is present in population databases (rs200925880, gnomAD 0.008%). This variant has not been reported in the literature in individuals affected with MYH6-related conditions. ClinVar contains an entry for this variant (Variation ID: 537947). Invitae Evidence Modeling of protein sequence and biophysical properties (such as structural, functional, and spatial information, amino acid conservation, physicochemical variation, residue mobility, and thermodynamic stability) has been performed for this missense variant. However, the output from this modeling did not meet the statistical confidence thresholds required to predict the impact of this variant on MYH6 protein function. In summary, the available evidence is currently insufficient to determine the role of this variant in disease. Therefore, it has been classified as a Variant of Uncertain Significance.

Ambry Genetics
Classification: Uncertain significance for Cardiovascular phenotype. Last evaluated: 2023-03-05. Review status: criteria provided, single submitter. Criteria: Ambry Variant Classification Scheme 2023. Collection method: clinical testing. Allele origin: germline.
Comment: The p.R789C variant (also known as c.2365C>T), located in coding exon 18 of the MYH6 gene, results from a C to T substitution at nucleotide position 2365. The arginine at codon 789 is replaced by cysteine, an amino acid with highly dissimilar properties. This amino acid position is not well conserved in available vertebrate species, and cysteine is the reference amino acid in other vertebrate species. In addition, the in silico prediction for this alteration is inconclusive. Since supporting evidence is limited at this time, the clinical significance of this alteration remains unclear.

Revvity Omics, Revvity
Classification: Uncertain significance. Last evaluated: 2021-02-02. Review status: criteria provided, single submitter. Criteria: ACMG Guidelines, 2015. Collection method: clinical testing. Allele origin: germline.

NM_002471.4(MYH6):c.2365C>T (p.Arg789Cys)

Gene: MYH6 (myosin heavy chain 6; minus strand). Cytogenetic location: 14q11.2.
Variant type: single nucleotide variant.
Coding change: c.2365C>T on transcript NM_002471.4 (MANE Select); coding-DNA position 2365, C replaced by T.
Protein change: p.Arg789Cys; replaces arginine 789 with cysteine.
Molecular consequence: missense variant.
Genome position (GRCh38, 1-based): chr14:23,396,348, G>A on the plus strand (C>T on the coding strand, the complement: MYH6 is on the minus strand). VCF-style: chr14-23396348-G-A. GRCh37 (hg19) VCF-style: chr14-23865557-G-A.
Other names: short protein forms R789C.
Identifiers: ClinVar variation 537947 (VCV000537947.12), dbSNP rs200925880, ClinGen allele CA7115488.